The following is an entry in ClinVar:

NM_005751.5(AKAP9):c.11407C>A (p.Leu3803Met)

Gene: AKAP9 (A-kinase anchoring protein 9; plus strand). Cytogenetic location: 7q21.2.
Variant type: single nucleotide variant.
Coding change: c.11407C>A on transcript NM_005751.5 (MANE Select); coding-DNA position 11407, C replaced by A.
Protein change: p.Leu3803Met; replaces leucine 3803 with methionine.
Molecular consequence: missense variant.
Genome position (GRCh38, 1-based): chr7:92,105,754, C>A. VCF-style: chr7-92105754-C-A. GRCh37 (hg19) VCF-style: chr7-91735068-C-A.
Other names: c.6052C>A, p.Leu2018Met (NM_001379277.1); c.11383C>A, p.Leu3795Met (NM_147185.3); short protein forms L2018M, L3795M, L3803M.
Identifiers: ClinVar variation 2090662 (VCV002090662.4), dbSNP rs2535327323, ClinGen allele CA368163780.

ClinVar aggregate classification (germline): Uncertain significance (1 of 4 stars; one submission).

Conditions:
Long QT syndrome (LQTS). Identifiers: MedGen C0023976, MeSH D008133, MONDO:0002442. Disease mechanism: loss of function. Inheritance: Various modes of inheritance.

Submission:

Labcorp Genetics (formerly Invitae), Labcorp
Classification: Uncertain significance for Long QT syndrome. Last evaluated: 2022-01-28. Review status: criteria provided, single submitter. Criteria: Invitae Variant Classification Sherloc (09022015). Collection method: clinical testing. Allele origin: germline.
Comment: This variant is not present in population databases (gnomAD no frequency). This sequence change replaces leucine, which is neutral and non-polar, with methionine, which is neutral and non-polar, at codon 3803 of the AKAP9 protein (p.Leu3803Met). This variant has not been reported in the literature in individuals affected with AKAP9-related conditions. Algorithms developed to predict the effect of missense changes on protein structure and function are either unavailable or do not agree on the potential impact of this missense change (SIFT: "Tolerated"; PolyPhen-2: "Probably Damaging"; Align-GVGD: "Class C0"). In summary, the available evidence is currently insufficient to determine the role of this variant in disease. Therefore, it has been classified as a Variant of Uncertain Significance.